The following is an entry in ClinVar:

NM_025137.4(SPG11):c.2774T>C (p.Ile925Thr)

Gene: SPG11 (SPG11 vesicle trafficking associated, spatacsin; minus strand). Cytogenetic location: 15q21.1.
Variant type: single nucleotide variant.
Coding change: c.2774T>C on transcript NM_025137.4 (MANE Select); coding-DNA position 2774, T replaced by C.
Protein change: p.Ile925Thr; replaces isoleucine 925 with threonine.
Molecular consequence: missense variant.
Genome position (GRCh38, 1-based): chr15:44,620,250, A>G on the plus strand (T>C on the coding strand, the complement: SPG11 is on the minus strand). VCF-style: chr15-44620250-A-G. GRCh37 (hg19) VCF-style: chr15-44912448-A-G.
Other names: p.Ile925Thr; c.2774T>C, p.Ile925Thr (NM_001160227.2); c.2774T>C (NM_025137.3); short protein forms I925T.
Identifiers: ClinVar variation 1063192 (VCV001063192.8), dbSNP rs779573001, ClinGen allele CA7535145.

ClinVar aggregate classification (germline): Uncertain significance. Review status: criteria provided, multiple submitters, no conflicts (2 of 4 stars). 3 submissions from 3 submitters: Uncertain significance (3). Last evaluated 2025-09-11.

Conditions:
Inborn genetic diseases. Identifiers: MedGen C0950123, MeSH D030342.
Hereditary spastic paraplegia 11. Also called: Nakamura Osame syndrome; Autosomal recessive hereditary spastic paraplegia, mental impairment, and thin corpus callosum; Spastic paraplegia, mental retardation and thin corpus callosum; SPASTIC PARAPLEGIA, AUTOSOMAL RECESSIVE, COMPLICATED, WITH THIN CORPUS CALLOSUM; SPASTIC PARAPLEGIA, AUTOSOMAL RECESSIVE, WITH MENTAL IMPAIRMENT AND THIN CORPUS CALLOSUM; Spastic Paraplegia 11. Identifiers: Orphanet 2822, MedGen C1858479, MONDO:0011445, OMIM 604360.

Allele frequency attached by ClinVar (database versions not stated): ExAC 0.00001; gnomAD exomes 0.00001; TOPMed 0.00001.
gnomAD v4.1: 17 of 1,614,146 alleles (0.0011%); highest among the groups gnomAD compares: Non-Finnish European, 0.0014%; no homozygotes.

Submissions (3):

Ambry Genetics
Classification: Uncertain significance for Inborn genetic diseases. Last evaluated: 2025-09-11. Review status: criteria provided, single submitter. Criteria: Ambry Variant Classification Scheme 2023. Collection method: clinical testing. Allele origin: germline.

Mayo Clinic Laboratories, Mayo Clinic
Classification: Uncertain significance. Last evaluated: 2024-03-08. Review status: criteria provided, single submitter. Criteria: ACMG Guidelines, 2015. Collection method: clinical testing. Allele origin: germline. Observed: 1 variant allele.
Comment: PM2_moderate

Labcorp Genetics (formerly Invitae), Labcorp
Classification: Uncertain significance for Hereditary spastic paraplegia 11. Last evaluated: 2021-09-01. Review status: criteria provided, single submitter. Criteria: Invitae Variant Classification Sherloc (09022015). Collection method: clinical testing. Allele origin: germline.
Comment: This sequence change replaces isoleucine with threonine at codon 925 of the SPG11 protein (p.Ile925Thr). The isoleucine residue is moderately conserved and there is a moderate physicochemical difference between isoleucine and threonine. This variant is present in population databases (rs779573001, ExAC 0.001%). This variant has not been reported in the literature in individuals affected with SPG11-related conditions. Algorithms developed to predict the effect of missense changes on protein structure and function are either unavailable or do not agree on the potential impact of this missense change (SIFT: "Tolerated"; PolyPhen-2: "Possibly Damaging"; Align-GVGD: "Class C0"). In summary, the available evidence is currently insufficient to determine the role of this variant in disease. Therefore, it has been classified as a Variant of Uncertain Significance.